The following is an entry in ClinVar:

NM_001271.4(CHD2):c.1133A>T (p.Gln378Leu)

Gene: CHD2 (chromodomain helicase DNA binding protein 2; plus strand). Cytogenetic location: 15q26.1.
Variant type: single nucleotide variant.
Coding change: c.1133A>T on transcript NM_001271.4 (MANE Select); coding-DNA position 1133, A replaced by T.
Protein change: p.Gln378Leu; replaces glutamine 378 with leucine.
Molecular consequence: missense variant.
Genome position (GRCh38, 1-based): chr15:92,944,495, A>T. VCF-style: chr15-92944495-A-T. GRCh37 (hg19) VCF-style: chr15-93487725-A-T.
Other names: c.1133A>T, p.Gln378Leu (NM_001042572.3); short protein forms Q378L.
Identifiers: ClinVar variation 835466 (VCV000835466.10), dbSNP rs1249403093, ClinGen allele CA393903180.

ClinVar aggregate classification (germline): Uncertain significance (1 of 4 stars; one submission).

Conditions:
Developmental and epileptic encephalopathy 94 (DEE94). Also called: Epileptic encephalopathy, childhood-onset; CHD2-Related Neurodevelopmental Disorders. Identifiers: Orphanet 1942, Orphanet 2382, MedGen C3809278, MONDO:0014150, OMIM 615369.

Allele frequency attached by ClinVar (database versions not stated): TOPMed below 0.00001; gnomAD 0.00001.
gnomAD v4.1: 1 of 1,595,474 alleles (0.000063%); highest among the groups gnomAD compares: Non-Finnish European, 0.000086%; no homozygotes.

Submission:

Labcorp Genetics (formerly Invitae), Labcorp
Classification: Uncertain significance for Developmental and epileptic encephalopathy 94. Last evaluated: 2024-08-13. Review status: criteria provided, single submitter. Criteria: Invitae Variant Classification Sherloc (09022015). Collection method: clinical testing. Allele origin: germline.
Comment: This sequence change replaces glutamine, which is neutral and polar, with leucine, which is neutral and non-polar, at codon 378 of the CHD2 protein (p.Gln378Leu). This variant is not present in population databases (gnomAD no frequency). This variant has not been reported in the literature in individuals affected with CHD2-related conditions. ClinVar contains an entry for this variant (Variation ID: 835466). Invitae Evidence Modeling of protein sequence and biophysical properties (such as structural, functional, and spatial information, amino acid conservation, physicochemical variation, residue mobility, and thermodynamic stability) indicates that this missense variant is not expected to disrupt CHD2 protein function with a negative predictive value of 95%. In summary, the available evidence is currently insufficient to determine the role of this variant in disease. Therefore, it has been classified as a Variant of Uncertain Significance.